The following is an entry in ClinVar:

NM_001330700.2(TOP2B):c.2496-2A>G

Gene: TOP2B (DNA topoisomerase II beta; minus strand). Cytogenetic location: 3p24.2.
Variant type: single nucleotide variant.
Coding change: c.2496-2A>G on transcript NM_001330700.2 (MANE Select); the canonical splice acceptor site of the intron before coding-DNA position 2496, A replaced by G.
Molecular consequence: splice acceptor variant.
Genome position (GRCh38, 1-based): chr3:25,623,748, T>C on the plus strand (A>G on the coding strand, the complement: TOP2B is on the minus strand). VCF-style: chr3-25623748-T-C. GRCh37 (hg19) VCF-style: chr3-25665239-T-C.
Other names: c.2481-2A>G (NM_001068.3).
Identifiers: ClinVar variation 4813899 (VCV004813899.1).
Genomic context (GRCh38, chr3:25,623,748, plus strand): 5'-CATAAAGGAACTTAAGGAGGTTGTCATCCACAGCAGGAAAAAGTAGCCTTGCTAAAGTGC[T>C]AATGAAAACAAAAAGAAGCAAATGAAAAAATGTCATGGCTTTGGGAAAGAAAACTTTATA-3'

ClinVar aggregate classification (germline): Uncertain significance (1 of 4 stars; one submission).

Submission:

GeneDx
Classification: Uncertain significance. Last evaluated: 2025-09-18. Review status: criteria provided, single submitter. Criteria: GeneDx Variant Classification Process June 2021. Collection method: clinical testing. Allele origin: germline. Affected: yes.
Comment: Not observed at significant frequency in large population cohorts (gnomAD); Has not been previously published as pathogenic or benign to our knowledge; Canonical splice site variant in a gene for which loss-of-function is not a known mechanism of disease